The following is an entry in ClinVar:

ClinVar aggregate classification (germline): Pathogenic/Likely pathogenic. Review status: criteria provided, multiple submitters, no conflicts (2 of 4 stars). 2 submissions from 2 submitters: Pathogenic (1); Likely pathogenic (1). Last evaluated 2026-02-04.
ClinVar aggregate classification (oncogenicity): Uncertain significance (1 of 4 stars; one submission).

Conditions:
Sessile serrated polyposis cancer syndrome (SSPCS). Identifiers: Orphanet 157798, MedGen C4310714, MONDO:0014919, OMIM 617108.
Neoplasm. Also called: tumor; Neoplasms; Neoplasm (disease). Identifiers: MedGen C0027651, MeSH D009369, MONDO:0005070, HP:0002664.

Submissions (3):

Center for Genomic Medicine, Rigshospitalet, Copenhagen University Hospital
Classification: Uncertain significance for Neoplasm. Last evaluated: 2026-10-16. Review status: criteria provided, single submitter. Criteria: ClinGen/CGC/VICC Guidelines for Oncogenicity, 2022. Collection method: clinical testing. Allele origin: somatic. Affected: yes.

Myriad Genetics, Inc.
Classification: Pathogenic for Sessile serrated polyposis cancer syndrome. Last evaluated: 2026-02-04. Review status: criteria provided, single submitter. Criteria: Myriad Autosomal Dominant, Autosomal Recessive and X-Linked Classification Criteria (2023). Collection method: clinical testing. Allele origin: unknown.
Comment: This variant is considered pathogenic. This variant creates a frameshift predicted to result in premature protein truncation.

Institute for Clinical Genetics, University Hospital TU Dresden, University Hospital TU Dresden
Classification: Likely pathogenic. Last evaluated: 2021-11-03. Review status: criteria provided, single submitter. Criteria: ACMG Guidelines, 2015. Collection method: clinical testing. Allele origin: germline.

NM_017763.6(RNF43):c.1976del (p.Gly659fs)

Gene: RNF43 (ring finger protein 43; minus strand). Cytogenetic location: 17q22.
Variant type: Deletion.
Coding change: c.1976del on transcript NM_017763.6 (MANE Select); coding-DNA position 1976, one base deleted (G; older notation c.1976delG).
Protein change: p.Gly659fs; shifts the reading frame from glycine 659.
Molecular consequence: frameshift variant.
Genome position (GRCh38, 1-based): chr17:58,357,800, C deleted on the plus strand (G on the coding strand, the reverse complement: RNF43 is on the minus strand); the first of 7 consecutive C bases (chr17:58,357,800-58,357,806); deleting any one gives the same sequence. VCF-style (leftmost placement, unchanged base first): chr17-58357799-AC-A. GRCh37 (hg19) VCF-style: chr17-56435160-AC-A.
Other names: c.1976delG (NM_017763.6); c.1970delG, p.Gly659Valfs (NM_001305544.3); c.1589delG, p.Gly532Valfs (NM_001305545.2); short protein forms G532fs, G659fs.
Identifiers: ClinVar variation 1319731 (VCV001319731.6), dbSNP rs755128667, ClinGen allele CA8673081.